The following is an entry in ClinVar:

NM_000065.5(C6):c.1067G>A (p.Arg356Gln)

Gene: C6 (complement C6; minus strand). Cytogenetic location: 5p13.1.
Variant type: single nucleotide variant.
Coding change: c.1067G>A on transcript NM_000065.5 (MANE Select); coding-DNA position 1067, G replaced by A.
Protein change: p.Arg356Gln; replaces arginine 356 with glutamine.
Molecular consequence: missense variant.
Genome position (GRCh38, 1-based): chr5:41,176,576, C>T on the plus strand (G>A on the coding strand, the complement: C6 is on the minus strand). VCF-style: chr5-41176576-C-T. GRCh37 (hg19) VCF-style: chr5-41176678-C-T.
Other names: c.1067G>A, p.Arg356Gln (NM_001115131.4); c.1067G>A (NM_000065.2); short protein forms R356Q.
Identifiers: ClinVar variation 1496562 (VCV001496562.4), dbSNP rs369381506, ClinGen allele CA3252579.

ClinVar aggregate classification (germline): Uncertain significance. Review status: criteria provided, multiple submitters, no conflicts (2 of 4 stars). 2 submissions from 2 submitters: Uncertain significance (2). Last evaluated 2023-10-05.

Conditions:
Inborn genetic diseases. Identifiers: MedGen C0950123, MeSH D030342.

Allele frequency attached by ClinVar (database versions not stated): ESP Exome Variant Server 0.00008.
gnomAD v4.1: 68 of 1,613,732 alleles (0.0042%); highest among the groups gnomAD compares: South Asian, 0.0066%; no homozygotes.

Submissions (2):

Ambry Genetics
Classification: Uncertain significance for Inborn genetic diseases. Last evaluated: 2023-10-05. Review status: criteria provided, single submitter. Criteria: Ambry Variant Classification Scheme 2023. Collection method: clinical testing. Allele origin: germline.

Labcorp Genetics (formerly Invitae), Labcorp
Classification: Uncertain significance. Last evaluated: 2021-10-16. Review status: criteria provided, single submitter. Criteria: Invitae Variant Classification Sherloc (09022015). Collection method: clinical testing. Allele origin: germline.
Comment: This sequence change replaces arginine with glutamine at codon 356 of the C6 protein (p.Arg356Gln). The arginine residue is moderately conserved and there is a small physicochemical difference between arginine and glutamine. This variant is present in population databases (rs369381506, ExAC 0.02%). This variant has not been reported in the literature in individuals affected with C6-related conditions. Algorithms developed to predict the effect of missense changes on protein structure and function output the following: SIFT: "Deleterious"; PolyPhen-2: "Benign"; Align-GVGD: "Class C0". The glutamine amino acid residue is found in multiple mammalian species, which suggests that this missense change does not adversely affect protein function. In summary, the available evidence is currently insufficient to determine the role of this variant in disease. Therefore, it has been classified as a Variant of Uncertain Significance.